The following is an entry in ClinVar:

NM_001083962.2(TCF4):c.*4+1G>A

Gene: TCF4 (transcription factor 4; minus strand). Cytogenetic location: 18q21.2.
Variant type: single nucleotide variant.
Coding change: c.*4+1G>A on transcript NM_001083962.2 (MANE Select); the canonical splice donor site of the intron after 4 bases downstream of the stop codon, G replaced by A.
Molecular consequence: splice donor variant.
Genome position (GRCh38, 1-based): chr18:55,228,220, C>T on the plus strand (G>A on the coding strand, the complement: TCF4 is on the minus strand). VCF-style: chr18-55228220-C-T. GRCh37 (hg19) VCF-style: chr18-52895451-C-T.
Other names: c.*4+1G>A (NM_001243226.3, NM_001369584.1, NM_001369576.1 and 42 more transcripts).
Identifiers: ClinVar variation 1305862 (VCV001305862.3), dbSNP rs2144361580, ClinGen allele CA2573054679.

ClinVar aggregate classification (germline): Likely pathogenic (1 of 4 stars; one submission).

Submission:

GeneDx
Classification: Likely pathogenic. Last evaluated: 2026-01-15. Review status: criteria provided, single submitter. Criteria: GeneDx Variant Classification Process June 2021. Collection method: clinical testing. Allele origin: germline. Affected: yes.
Comment: Canonical splice site variant predicted to result in a loss of the last exon in a gene for which loss of function is a known mechanism of disease; Located in a regulatory region; in the absence of functional studies, the actual effect of this sequence change is unknown; Not observed at significant frequency in large population cohorts (gnomAD); This variant is associated with the following publications: (PMID: 33057194, 39375747)